The following is an entry in ClinVar:

ClinVar aggregate classification (germline): Likely pathogenic (1 of 4 stars; one submission).

Conditions:
Familial focal epilepsy with variable foci (FPEVF). Identifiers: Orphanet 98820, MedGen C1858477, MONDO:0020310.

Submission:

Labcorp Genetics (formerly Invitae), Labcorp
Classification: Likely pathogenic for Familial focal epilepsy with variable foci. Last evaluated: 2022-03-21. Review status: criteria provided, single submitter. Criteria: Invitae Variant Classification Sherloc (09022015). Collection method: clinical testing. Allele origin: germline.
Comment: In summary, the currently available evidence indicates that the variant is pathogenic, but additional data are needed to prove that conclusively. Therefore, this variant has been classified as Likely Pathogenic. ClinVar contains an entry for this variant (Variation ID: 647448). This variant has not been reported in the literature in individuals affected with DEPDC5-related conditions. This variant results in the deletion of exon 24 and part of exon 23 (c.1977_2104+674del) of the DEPDC5 gene. It is expected to disrupt RNA splicing. Variants that disrupt the donor or acceptor splice site typically lead to a loss of protein function (PMID: 16199547), and loss-of-function variants in DEPDC5 are known to be pathogenic (PMID: 23542697, 23542701).

Literature cited by the submitters: PubMed 16199547; PubMed 23542697; PubMed 23542701.

NC_000022.10:g.(?_32217594)_(32219450_?)del

Gene: DEPDC5 (DEP domain containing 5, GATOR1 subcomplex subunit; plus strand). Cytogenetic location: 22q12.3.
Variant type: Deletion.
Identifiers: ClinVar variation 2424002 (VCV002424002.4).